The following is an entry in ClinVar:

ClinVar aggregate classification (germline): Uncertain significance (1 of 4 stars; one submission).

Conditions:
Combined oxidative phosphorylation deficiency 55 (COXPD55). Identifiers: MedGen C5676915, MONDO:0859228, OMIM 619743.

Submission:

Neuberg Centre For Genomic Medicine, NCGM
Classification: Uncertain significance for Combined oxidative phosphorylation deficiency 55. Review status: criteria provided, single submitter. Criteria: ACMG Guidelines, 2015. Collection method: clinical testing. Allele origin: germline. Inheritance: Autosomal dominant inheritance. Affected: yes.
Comment: The observed missense variant c.2957C>T(p.Thr986Ile) in POLRMT gene has not been reported previously as a pathogenic variant nor as a benign variant, to our knowledge. This variant is absent in gnomAD Exomes. The amino acid Thr at position 986 is changed to a Ile changing protein sequence and it might alter its composition and physico-chemical properties. Computational evidence (Polyphen-Possibly damaging, SIFT-damaging and MutationTaster-polymorphic) predicts conflicting evidence on protein structure and function for this variant. The reference amino acid p.Thr986Ile in POLRMT is predicted as conserved by PhyloP across 100 vertebrates. For these reasons, this variant has been classified as Uncertain Significance.

NM_005035.4(POLRMT):c.2957C>T (p.Thr986Ile)

Gene: POLRMT (RNA polymerase mitochondrial; minus strand). Cytogenetic location: 19p13.3.
Variant type: single nucleotide variant.
Coding change: c.2957C>T on transcript NM_005035.4 (MANE Select); coding-DNA position 2957, C replaced by T.
Protein change: p.Thr986Ile; replaces threonine 986 with isoleucine.
Molecular consequence: missense variant. On other transcripts: non-coding transcript variant (1), intron variant (3).
Genome position (GRCh38, 1-based): chr19:619,695, G>A on the plus strand (C>T on the coding strand, the complement: POLRMT is on the minus strand). VCF-style: chr19-619695-G-A. GRCh37 (hg19) VCF-style: chr19-619695-G-A.
Other names: c.2957C>T, p.Thr986Ile (NM_001407805.1, NM_001407808.1, NM_001407812.1 and 1 more transcripts); c.2948C>T, p.Thr983Ile (NM_001407806.1, NM_001407809.1); c.2945C>T, p.Thr982Ile (NM_001407807.1, NM_001407810.1); c.2915C>T, p.Thr972Ile (NM_001407811.1, NM_001407813.1); c.2834C>T, p.Thr945Ile (NM_001407829.1); c.2732C>T, p.Thr911Ile (NM_001407830.1, NM_001407832.1); c.2633C>T, p.Thr878Ile (NM_001407831.1, NM_001407833.1, NM_001407835.1); c.2624C>T, p.Thr875Ile (NM_001407834.1); and 2 more; short protein forms T875I, T878I, T911I, T945I, T972I, T982I, T983I, T986I.
Identifiers: ClinVar variation 3731453 (VCV003731453.1).